The following is an entry in ClinVar:

ClinVar aggregate classification (germline): Pathogenic. Review status: reviewed by expert panel (3 of 4 stars). 3 submissions from 3 submitters: Pathogenic (1). 2 of the submissions do not count toward it. Last evaluated 2017-12-15.

Conditions:
Breast-ovarian cancer, familial, susceptibility to, 1 (BROVCA1). Also called: OVARIAN CANCER, SUSCEPTIBILITY TO; BRCA1 Hereditary Breast and Ovarian Cancer. Identifiers: Orphanet 145, MedGen C2676676, MONDO:0011450, OMIM 604370. Disease mechanism: loss of function.
Familial cancer of breast. Also called: Hereditary breast cancer; hereditary breast carcinoma; BREAST CANCER, FAMILIAL. Identifiers: Orphanet 227535, MedGen C0346153, MONDO:0016419, OMIM 114480. Disease mechanism: loss of function.

Submissions (3):

Evidence-based Network for the Interpretation of Germline Mutant Alleles (ENIGMA)
Classification: Pathogenic for Breast-ovarian cancer, familial, susceptibility to, 1. Last evaluated: 2017-12-15. Review status: reviewed by expert panel. Criteria: ENIGMA BRCA1/2 Classification Criteria (2017-06-29). Collection method: curation. Allele origin: germline. Study: ENIGMA.
Comment: Variant allele predicted to encode a truncated non-functional protein.

Institute of Medical Genetics and Applied Genomics, University Hospital Tübingen
Classification: Pathogenic. Last evaluated: 2020-10-23. Review status: criteria provided, single submitter. Criteria: ACMG Guidelines, 2015. Collection method: clinical testing. Allele origin: germline. Inheritance: Unknown mechanism. Affected: yes. Not counted in ClinVar's aggregate classification.

ClinVar Staff, National Center for Biotechnology Information (NCBI)
No classification provided. Condition: Familial cancer of breast. Review status: no classification provided. Collection method: literature only. Allele origin: germline. Affected: yes. Not counted in ClinVar's aggregate classification.

Literature cited by the submitters: PubMed 19941162 (cited by ClinVar Staff, National Center for Biotechnology Information (NCBI)).

NM_007294.4(BRCA1):c.2921dup (p.Leu974fs)

Gene: BRCA1 (BRCA1 DNA repair associated; minus strand). Cytogenetic location: 17q21.31.
Variant type: Duplication.
Coding change: c.2921dup on transcript NM_007294.4 (MANE Select); coding-DNA position 2921, one base duplicated (T; older notation c.2921dupT).
Protein change: p.Leu974fs; shifts the reading frame from leucine 974.
Molecular consequence: frameshift variant. On other transcripts: intron variant (137).
Genome position (GRCh38, 1-based): chr17:43,092,610, A duplicated on the plus strand (T on the coding strand, the reverse complement: BRCA1 is on the minus strand); the first of 4 consecutive A bases (chr17:43,092,610-43,092,613); duplicating any one gives the same sequence. VCF-style (leftmost placement, unchanged base first): chr17-43092609-T-TA. GRCh37 (hg19) VCF-style: chr17-41244626-T-TA.
Other names: c.2921dupT (NM_007294.3); c.2708dup, p.Leu903fs (NM_001407571.1, NM_001407853.1, NM_001407894.1 and 9 more transcripts); c.2921dup, p.Leu974fs (NM_001407581.1, NM_001407582.1, NM_001407583.1 and 30 more transcripts); c.2918dup, p.Leu973fs (NM_001407587.1, NM_001407590.1, NM_001407591.1 and 22 more transcripts); c.2912dup, p.Leu971fs (NM_001407646.1, NM_001407647.1); c.2798dup, p.Leu933fs (NM_001407648.1, NM_001407664.1, NM_001407665.1 and 19 more transcripts); c.2795dup, p.Leu932fs (NM_001407649.1, NM_001407670.1, NM_001407671.1 and 11 more transcripts); c.2843dup, p.Leu948fs (NM_001407653.1, NM_001407654.1, NM_001407655.1 and 4 more transcripts); and 42 more; short protein forms L974fs, L927fs, L847fs, L885fs, L903fs, L933fs, L948fs, L678fs.
Identifiers: ClinVar variation 54721 (VCV000054721.5), dbSNP rs80357611, ClinGen allele CA327845.